The following is an entry in ClinVar:

NM_000288.4(PEX7):c.554T>C (p.Val185Ala)

Gene: PEX7 (peroxisomal biogenesis factor 7; plus strand). Cytogenetic location: 6q23.3.
Variant type: single nucleotide variant.
Coding change: c.554T>C on transcript NM_000288.4 (MANE Select); coding-DNA position 554, T replaced by C.
Protein change: p.Val185Ala; replaces valine 185 with alanine.
Molecular consequence: missense variant.
Genome position (GRCh38, 1-based): chr6:136,866,654, T>C. VCF-style: chr6-136866654-T-C. GRCh37 (hg19) VCF-style: chr6-137187792-T-C.
Other names: short protein forms V185A.
Identifiers: ClinVar variation 904199 (VCV000904199.10), dbSNP rs1424846175, ClinGen allele CA365762876.

ClinVar aggregate classification (germline): Uncertain significance. Review status: criteria provided, multiple submitters, no conflicts (2 of 4 stars). 4 submissions from 3 submitters: Uncertain significance (4). Last evaluated 2022-02-10.

Conditions:
Refsum disease, classic. Also called: PHYH-Related Refsum Disease; HEREDOPATHIA ATACTICA POLYNEURITIFORMIS; HMSN IV; PHYTANIC ACID OXIDASE DEFICIENCY. Identifiers: Orphanet 773, MedGen C5780941, MONDO:1060256, OMIM 266500. Disease mechanism: loss of function.
Rhizomelic chondrodysplasia punctata type 1 (RCDP1). Also called: PEX7-Related Rhizomelic Chondrodysplasia Punctata; CHONDRODYSTROPHIA CALCIFICANS PUNCTATA; PEROXISOME BIOGENESIS DISORDER 9. Identifiers: Orphanet 177, Orphanet 309789, MedGen C1859133, MONDO:0008972, OMIM 215100. Disease mechanism: loss of function.
Peroxisome biogenesis disorder 9B. Also called: PEX7-Related Refsum Disease; Refsum disease, adult, 2; PEROXISOME BIOGENESIS DISORDER, PEX7-RELATED, ATYPICAL. Identifiers: Orphanet 773, MedGen C2749346, MONDO:0013945, OMIM 614879.

Allele frequency attached by ClinVar (database versions not stated): gnomAD exomes 0.00001.
gnomAD v4.1: 3 of 1,614,078 alleles (0.00019%); highest among the groups gnomAD compares: Admixed American, 0.005%; no homozygotes.

Submissions (4):

Labcorp Genetics (formerly Invitae), Labcorp
Classification: Uncertain significance for Peroxisome biogenesis disorder 9B. Last evaluated: 2022-02-10. Review status: criteria provided, single submitter. Criteria: Invitae Variant Classification Sherloc (09022015). Collection method: clinical testing. Allele origin: germline.
Comment: This sequence change replaces valine, which is neutral and non-polar, with alanine, which is neutral and non-polar, at codon 185 of the PEX7 protein (p.Val185Ala). This variant is present in population databases (no rsID available, gnomAD 0.006%). This variant has not been reported in the literature in individuals affected with PEX7-related conditions. ClinVar contains an entry for this variant (Variation ID: 904199). Algorithms developed to predict the effect of missense changes on protein structure and function (SIFT, PolyPhen-2, Align-GVGD) all suggest that this variant is likely to be tolerated. In summary, the available evidence is currently insufficient to determine the role of this variant in disease. Therefore, it has been classified as a Variant of Uncertain Significance.

Fulgent Genetics
Classification: Uncertain significance for Rhizomelic chondrodysplasia punctata type 1; Refsum disease, classic; Peroxisome biogenesis disorder 9B. Last evaluated: 2021-08-31. Review status: criteria provided, single submitter. Criteria: ACMG Guidelines, 2015. Collection method: clinical testing. Allele origin: unknown.

Illumina Laboratory Services, Illumina
Classification: Uncertain significance for Peroxisome biogenesis disorder 9B. Last evaluated: 2018-01-13. Review status: criteria provided, single submitter. Criteria: ICSL Variant Classification Criteria 13 December 2019. Collection method: clinical testing. Allele origin: germline.

Illumina Laboratory Services, Illumina
Classification: Uncertain significance for Rhizomelic chondrodysplasia punctata type 1. Last evaluated: 2018-01-13. Review status: criteria provided, single submitter. Criteria: ICSL Variant Classification Criteria 13 December 2019. Collection method: clinical testing. Allele origin: germline.